The following is an entry in ClinVar:

NM_014365.3(HSPB8):c.166C>A (p.Leu56Ile)

Gene: HSPB8 (heat shock protein family B (small) member 8; plus strand). Cytogenetic location: 12q24.23.
Variant type: single nucleotide variant.
Coding change: c.166C>A on transcript NM_014365.3 (MANE Select); coding-DNA position 166, C replaced by A.
Protein change: p.Leu56Ile; replaces leucine 56 with isoleucine.
Molecular consequence: missense variant.
Genome position (GRCh38, 1-based): chr12:119,179,478, C>A. VCF-style: chr12-119179478-C-A. GRCh37 (hg19) VCF-style: chr12-119617283-C-A.
Other names: short protein forms L56I.
Identifiers: ClinVar variation 2723033 (VCV002723033.3), dbSNP rs1396053299, ClinGen allele CA386524643.

ClinVar aggregate classification (germline): Uncertain significance (1 of 4 stars; one submission).

Conditions:
Charcot-Marie-Tooth disease axonal type 2L. Also called: Charcot-Marie-Tooth Neuropathy Type 2L; CHARCOT-MARIE-TOOTH DISEASE, AXONAL, AUTOSOMAL DOMINANT, TYPE 2L; CHARCOT-MARIE-TOOTH NEUROPATHY, AXONAL, TYPE 2L. Identifiers: Orphanet 99945, MedGen C1837552, MONDO:0012096, OMIM 608673.

Allele frequency attached by ClinVar (database versions not stated): gnomAD exomes below 0.00001; TOPMed below 0.00001.
gnomAD v4.1: 1 of 1,614,098 alleles (0.000062%); highest among the groups gnomAD compares: Non-Finnish European, 0.000085%; no homozygotes.

Submission:

Labcorp Genetics (formerly Invitae), Labcorp
Classification: Uncertain significance for Charcot-Marie-Tooth disease axonal type 2L. Last evaluated: 2022-11-17. Review status: criteria provided, single submitter. Criteria: Invitae Variant Classification Sherloc (09022015). Collection method: clinical testing. Allele origin: germline.
Comment: This sequence change replaces leucine, which is neutral and non-polar, with isoleucine, which is neutral and non-polar, at codon 56 of the HSPB8 protein (p.Leu56Ile). This variant is present in population databases (no rsID available, gnomAD 0.0009%). This variant has not been reported in the literature in individuals affected with HSPB8-related conditions. Algorithms developed to predict the effect of missense changes on protein structure and function output the following: SIFT: "Tolerated"; PolyPhen-2: "Benign"; Align-GVGD: "Class C0". The isoleucine amino acid residue is found in multiple mammalian species, which suggests that this missense change does not adversely affect protein function. In summary, the available evidence is currently insufficient to determine the role of this variant in disease. Therefore, it has been classified as a Variant of Uncertain Significance.